The following is an entry in ClinVar:

NM_001267550.2(TTN):c.99254G>A (p.Arg33085His)

Genes: TTN (titin; minus strand), TTN-AS1 (TTN antisense RNA 1; plus strand). Cytogenetic location: 2q31.2.
Variant type: single nucleotide variant.
Coding change: c.99254G>A on transcript NM_001267550.2 (MANE Select); coding-DNA position 99254, G replaced by A.
Protein change: p.Arg33085His; replaces arginine 33085 with histidine.
Molecular consequence: missense variant.
Genome position (GRCh38, 1-based): chr2:178,538,575, C>T on the plus strand (G>A on the coding strand, the complement: TTN is on the minus strand). VCF-style: chr2-178538575-C-T. GRCh37 (hg19) VCF-style: chr2-179403302-C-T.
Other names: c.94331G>A, p.Arg31444His (NM_001256850.1); c.72059G>A, p.Arg24020His (NM_003319.4); c.91550G>A, p.Arg30517His (NM_133378.4); c.72434G>A, p.Arg24145His (NM_133432.3); c.72635G>A, p.Arg24212His (NM_133437.4); short protein forms R33085H, R30517H, R31444H, R24212H, R24020H, R24145H.
Identifiers: ClinVar variation 535324 (VCV000535324.13), dbSNP rs777035261, ClinGen allele CA1986231.

ClinVar aggregate classification (germline): Conflicting classifications of pathogenicity. Review status: criteria provided, conflicting classifications (1 of 4 stars). 7 submissions from 7 submitters: Uncertain significance (5); Likely benign (2). Last evaluated 2026-03-03.

Conditions:
Cardiovascular phenotype. Identifiers: MedGen CN230736.
TTN-related disorder. Also called: TTN-related condition; TTN-related disease; TTN-related disorders.
Dilated cardiomyopathy 1G (CMD1G). Identifiers: Orphanet 154, MedGen C1858763, MONDO:0011400, OMIM 604145.
Autosomal recessive limb-girdle muscular dystrophy type 2J (LGMDR10). Also called: MUSCULAR DYSTROPHY, LIMB-GIRDLE, AUTOSOMAL RECESSIVE 10; Limb-girdle muscular dystrophy, type 2J. Identifiers: Orphanet 140922, MedGen C1837342, MONDO:0012127, OMIM 608807.
Myopathy, myofibrillar, 9, with early respiratory failure (MFM9). Also called: Myopathy, distal, with early respiratory failure, autosomal dominant; EDSTROM MYOPATHY; Hereditary myopathy with early respiratory failure; MYOPATHY, PROXIMAL, WITH EARLY RESPIRATORY MUSCLE INVOLVEMENT. Identifiers: Orphanet 178464, Orphanet 34521, MedGen C1863599, MONDO:0011362, OMIM 603689.
Early-onset myopathy with fatal cardiomyopathy (CMYO5). Also called: CONGENITAL MYOPATHY 5 WITH CARDIOMYOPATHY; Salih Myopathy. Identifiers: Orphanet 289377, MedGen C2673677, MONDO:0012714, OMIM 611705. Disease mechanism: loss of function.
Hypertrophic cardiomyopathy 9. Also called: Familial hypertrophic cardiomyopathy 9. Identifiers: MedGen C1861065, MONDO:0013412, OMIM 613765.
Tibial muscular dystrophy (TMD). Also called: Udd Distal Myopathy – Tibial Muscular Dystrophy; Tibial muscular dystrophy, tardive; UDD MYOPATHY. Identifiers: Orphanet 609, MedGen C1838244, MONDO:0010870, OMIM 600334.

Allele frequency attached by ClinVar (database versions not stated): gnomAD 0.00002 and 0.00003; ExAC 0.00003; gnomAD exomes 0.00004 and 0.00008; TOPMed 0.00005.
gnomAD v4.1: 121 of 1,613,136 alleles (0.0075%); highest among the groups gnomAD compares: Non-Finnish European, 0.0088%; no homozygotes.

Submissions (7):

PreventionGenetics, part of Exact Sciences
Classification: Uncertain significance for TTN-related condition. Last evaluated: 2026-03-03. Review status: criteria provided, single submitter. Criteria: ACMG Guidelines, 2015. Collection method: clinical testing. Allele origin: germline.
Comment: The TTN c.99254G>A variant is predicted to result in the amino acid substitution p.Arg33085His. To our knowledge, this variant has not been reported in the literature. This variant is reported in 0.0066% of alleles in individuals of South Asian descent in gnomAD. At this time, the clinical significance of this variant is uncertain due to the absence of conclusive functional and genetic evidence.

Blueprint Genetics
Classification: Likely benign. Last evaluated: 2024-08-16. Review status: criteria provided, single submitter. Criteria: ACMG Guidelines, 2015. Collection method: clinical testing. Allele origin: germline.

Ambry Genetics
Classification: Uncertain significance for Cardiovascular phenotype. Last evaluated: 2020-01-16. Review status: criteria provided, single submitter. Criteria: Ambry Variant Classification Scheme 2023. Collection method: clinical testing. Allele origin: germline.
Comment: The p.R24020H variant (also known as c.72059G>A), located in coding exon 181 of the TTN gene, results from a G to A substitution at nucleotide position 72059. The arginine at codon 24020 is replaced by histidine, an amino acid with highly similar properties. This amino acid position is highly conserved in available vertebrate species. In addition, this alteration is predicted to be tolerated by in silico analysis. Since supporting evidence is limited at this time, the clinical significance of this alteration remains unclear.

Revvity Omics, Revvity
Classification: Uncertain significance. Last evaluated: 2019-07-17. Review status: criteria provided, single submitter. Criteria: ACMG Guidelines, 2015. Collection method: clinical testing. Allele origin: germline.

Fulgent Genetics
Classification: Uncertain significance for Tibial muscular dystrophy; Myopathy, myofibrillar, 9, with early respiratory failure; Dilated cardiomyopathy 1G; Autosomal recessive limb-girdle muscular dystrophy type 2J; Early-onset myopathy with fatal cardiomyopathy; Hypertrophic cardiomyopathy 9. Last evaluated: 2018-10-31. Review status: criteria provided, single submitter. Criteria: ACMG Guidelines, 2015. Collection method: clinical testing. Allele origin: unknown.

GeneDx
Classification: Likely benign. Last evaluated: 2018-03-15. Review status: criteria provided, single submitter. Criteria: GeneDx Variant Classification (06012015). Collection method: clinical testing. Allele origin: germline. Affected: yes.
Comment: This variant is considered likely benign or benign based on one or more of the following criteria: it is a conservative change, it occurs at a poorly conserved position in the protein, it is predicted to be benign by multiple in silico algorithms, and/or has population frequency not consistent with disease.

Labcorp Genetics (formerly Invitae), Labcorp
Classification: Uncertain significance for Dilated cardiomyopathy 1G; Autosomal recessive limb-girdle muscular dystrophy type 2J. Last evaluated: 2017-08-28. Review status: criteria provided, single submitter. Criteria: Invitae Variant Classification Sherloc (09022015). Collection method: clinical testing. Allele origin: germline.